The following is an entry in ClinVar:

NM_000390.4(CHM):c.1737T>C (p.Asp579=)

Gene: CHM (CHM Rab escort protein; minus strand). Cytogenetic location: Xq21.2.
Variant type: single nucleotide variant.
Coding change: c.1737T>C on transcript NM_000390.4 (MANE Select); coding-DNA position 1737, T replaced by C.
Protein change: p.Asp579=; no amino-acid change (aspartic acid 579 retained).
Molecular consequence: synonymous variant.
Genome position (GRCh38, 1-based): chrX:85,873,085, A>G on the plus strand (T>C on the coding strand, the complement: CHM is on the minus strand). VCF-style: chrX-85873085-A-G. GRCh37 (hg19) VCF-style: chrX-85128090-A-G.
Other names: c.1293T>C, p.Asp431= (NM_001320959.1, NM_001362517.1, NM_001362518.2 and 1 more transcripts).
Identifiers: ClinVar variation 1117454 (VCV001117454.33), dbSNP rs756159060, ClinGen allele CA10465321.

ClinVar aggregate classification (germline): Likely benign. Review status: criteria provided, multiple submitters, no conflicts (2 of 4 stars). 3 submissions from 3 submitters: Likely benign (3). Last evaluated 2024-07-10.

Allele frequency attached by ClinVar (database versions not stated): gnomAD 0.00001; TOPMed 0.00001; ExAC 0.00002; gnomAD exomes 0.00002.
gnomAD v4.1: 23 of 1,206,792 alleles (0.0019%); highest among the groups gnomAD compares: Middle Eastern, 0.11%; no homozygotes.

Submissions (3):

Blueprint Genetics
Classification: Likely benign. Last evaluated: 2024-07-10. Review status: criteria provided, single submitter. Criteria: ACMG Guidelines, 2015. Collection method: clinical testing. Allele origin: germline.

Labcorp Genetics (formerly Invitae), Labcorp
Classification: Likely benign. Last evaluated: 2024-03-25. Review status: criteria provided, single submitter. Criteria: Invitae Variant Classification Sherloc (09022015). Collection method: clinical testing. Allele origin: germline.

CeGaT Center for Human Genetics Tuebingen
Classification: Likely benign. Last evaluated: 2022-12-01. Review status: criteria provided, single submitter. Criteria: CeGaT Center For Human Genetics Tuebingen Variant Classification Criteria Version 2. Collection method: clinical testing. Allele origin: germline. Affected: yes. Observed: 1 variant allele.
Comment: CHM: BP4, BP7